The following is an entry in ClinVar:

ClinVar aggregate classification (germline): Benign/Likely benign. Review status: criteria provided, multiple submitters, no conflicts (2 of 4 stars). 7 submissions from 7 submitters: Benign (4); Likely benign (3). Last evaluated 2026-02-03.

Conditions:
Early-infantile DEE. Also called: Early infantile epileptic encephalopathy with suppression bursts; Early infantile epileptic encephalopathy; Ohtahara syndrome. Identifiers: Orphanet 1934, MedGen C0393706, MONDO:0800491.
CACNA2D2-related disorder. Also called: CACNA2D2-related condition.
Cerebellar atrophy with seizures and variable developmental delay. Identifiers: MedGen C5193132, MONDO:0032788, OMIM 618501.

Allele frequency attached by ClinVar (database versions not stated): 1000 Genomes Project 30x 0.00156; 1000 Genomes Project 0.00180; gnomAD 0.00301 and 0.00305; TOPMed 0.00337; gnomAD exomes 0.00341 and 0.00371; ExAC 0.00373; ESP Exome Variant Server 0.00423.
gnomAD v4.1: 5,508 of 1,613,048 alleles (0.34%); highest among the groups gnomAD compares: Middle Eastern, 1.1%; 27 homozygotes.

Submissions (7):

Labcorp Genetics (formerly Invitae), Labcorp
Classification: Benign for Early-infantile DEE. Last evaluated: 2026-02-03. Review status: criteria provided, single submitter. Criteria: Invitae Variant Classification Sherloc (09022015). Collection method: clinical testing. Allele origin: germline.

CeGaT Center for Human Genetics Tuebingen
Classification: Likely benign. Last evaluated: 2026-02-01. Review status: criteria provided, single submitter. Criteria: CeGaT Center For Human Genetics Tuebingen Variant Classification Criteria Version 2. Collection method: clinical testing. Allele origin: germline. Affected: yes. Observed: 17 variant alleles.
Comment: CACNA2D2: BP4, BP7, BS2

PreventionGenetics, part of Exact Sciences
Classification: Benign for CACNA2D2-related condition. Last evaluated: 2024-11-18. Review status: criteria provided, single submitter. Criteria: ACMG Guidelines, 2015. Collection method: clinical testing. Allele origin: germline.
Comment: This variant is classified as benign based on ACMG/AMP sequence variant interpretation guidelines (Richards et al. 2015 PMID: 25741868, with internal and published modifications).

ARUP Laboratories, Molecular Genetics and Genomics, ARUP Laboratories
Classification: Benign for Cerebellar atrophy with seizures and variable developmental delay. Last evaluated: 2024-10-28. Review status: criteria provided, single submitter. Criteria: ARUP Molecular Germline Variant Investigation Process 2024. Collection method: clinical testing. Allele origin: germline.

Mayo Clinic Laboratories, Mayo Clinic
Classification: Benign. Last evaluated: 2020-07-16. Review status: criteria provided, single submitter. Criteria: ACMG Guidelines, 2015. Collection method: clinical testing. Allele origin: germline. Observed: 2 variant alleles.

Athena Diagnostics
Classification: Likely benign. Last evaluated: 2018-07-02. Review status: criteria provided, single submitter. Criteria: Athena Diagnostics Criteria. Collection method: clinical testing. Allele origin: germline.

Breakthrough Genomics
Classification: Likely benign. Review status: criteria provided, single submitter. Criteria: ACMG Guidelines, 2015. Collection method: not provided. Allele origin: germline. Inheritance: Autosomal recessive inheritance. Affected: yes.

NM_006030.4(CACNA2D2):c.1833G>A (p.Lys611=)

Gene: CACNA2D2 (calcium voltage-gated channel auxiliary subunit alpha2delta 2; minus strand). Cytogenetic location: 3p21.31.
Variant type: single nucleotide variant.
Coding change: c.1833G>A on transcript NM_006030.4 (MANE Select); coding-DNA position 1833, G replaced by A.
Protein change: p.Lys611=; no amino-acid change (lysine 611 retained).
Molecular consequence: synonymous variant.
Genome position (GRCh38, 1-based): chr3:50,375,821, C>T on the plus strand (G>A on the coding strand, the complement: CACNA2D2 is on the minus strand). VCF-style: chr3-50375821-C-T. GRCh37 (hg19) VCF-style: chr3-50413252-C-T.
Other names: p.Lys611=; c.1833G>A, p.Lys611= (NM_001005505.3, NM_001174051.3); c.1626G>A, p.Lys542= (NM_001291101.1).
Identifiers: ClinVar variation 416541 (VCV000416541.39), dbSNP rs41305892, ClinGen allele CA2418717.